The following is an entry in ClinVar:

ClinVar aggregate classification (germline): Conflicting classifications of pathogenicity. Review status: criteria provided, conflicting classifications (1 of 4 stars). 5 submissions from 5 submitters: Likely pathogenic (3); Uncertain significance (2). Last evaluated 2025-01-08.

Conditions:
Inborn genetic diseases. Identifiers: MedGen C0950123, MeSH D030342.
Autosomal recessive spastic paraplegia type 78. Identifiers: Orphanet 513436, MedGen C5567893, MONDO:0014975, OMIM 617225.
Kufor-Rakeb syndrome (KRS). Also called: PARKINSON DISEASE 9, AUTOSOMAL RECESSIVE, JUVENILE-ONSET. Identifiers: Orphanet 306674, Orphanet 314632, MedGen C1847640, MONDO:0011706, OMIM 606693.

Allele frequency attached by ClinVar (database versions not stated): ExAC 0.00003; gnomAD exomes 0.00003; TOPMed 0.00003.
gnomAD v4.1: 42 of 1,613,906 alleles (0.0026%); highest among the groups gnomAD compares: African/African-American, 0.004%; no homozygotes.

Submissions (5):

First Genomix Gene Laboratory, Genetic Diagnostics Department
Classification: Likely pathogenic for Kufor-Rakeb syndrome; Autosomal recessive spastic paraplegia type 78. Last evaluated: 2025-01-08. Review status: criteria provided, single submitter. Criteria: ACMG Guidelines, 2015. Collection method: clinical testing. Allele origin: germline. Inheritance: Autosomal recessive inheritance. Affected: no. Observed: 1 variant allele.

Ambry Genetics
Classification: Likely pathogenic for Inborn genetic diseases. Last evaluated: 2025-01-06. Review status: criteria provided, single submitter. Criteria: Ambry Variant Classification Scheme 2023. Collection method: clinical testing. Allele origin: germline.
Comment: The c.1205C>T (p.T402M) alteration is located in exon 13 (coding exon 13) of the ATP13A2 gene. This alteration results from a C to T substitution at nucleotide position 1205, causing the threonine (T) at amino acid position 402 to be replaced by a methionine (M). Based on data from gnomAD, the T allele has an overall frequency of 0.003% (7/250602) total alleles studied. The highest observed frequency was 0.012% (2/16124) of African alleles. This variant has been identified in the homozygous state in individuals with features consistent with ATP13A2-related neurodegenerative disorder (De Michele, 2020; Galatolo, 2021). This amino acid position is highly conserved in available vertebrate species. This alteration is predicted to be deleterious by in silico analysis. Based on the available evidence, this alteration is classified as likely pathogenic.

Fulgent Genetics
Classification: Uncertain significance for Kufor-Rakeb syndrome; Autosomal recessive spastic paraplegia type 78. Last evaluated: 2024-01-18. Review status: criteria provided, single submitter. Criteria: ACMG Guidelines, 2015. Collection method: clinical testing. Allele origin: germline.

Molecular Medicine for Neurodegenerative and Neuromuscular Diseases Unit, IRCCS Fondazione Stella Maris
Classification: Likely pathogenic for Kufor-Rakeb syndrome. Last evaluated: 2021-07-12. Review status: criteria provided, single submitter. Criteria: ACMG Guidelines, 2015. Collection method: research. Allele origin: unknown. Affected: yes.

CeGaT Center for Human Genetics Tuebingen
Classification: Uncertain significance. Last evaluated: 2018-05-01. Review status: criteria provided, single submitter. Criteria: CeGaT Center For Human Genetics Tuebingen Variant Classification Criteria Version 2. Collection method: clinical testing. Allele origin: germline. Affected: yes. Observed: 1 variant allele.

Literature cited by the submitters: PubMed 32559632 (cited by Ambry Genetics); PubMed 34445196 (cited by Ambry Genetics).

NM_022089.4(ATP13A2):c.1205C>T (p.Thr402Met)

Gene: ATP13A2 (ATPase cation transporting 13A2; minus strand). Cytogenetic location: 1p36.13.
Variant type: single nucleotide variant.
Coding change: c.1205C>T on transcript NM_022089.4 (MANE Select); coding-DNA position 1205, C replaced by T.
Protein change: p.Thr402Met; replaces threonine 402 with methionine.
Molecular consequence: missense variant.
Genome position (GRCh38, 1-based): chr1:16,996,487, G>A on the plus strand (C>T on the coding strand, the complement: ATP13A2 is on the minus strand). VCF-style: chr1-16996487-G-A. GRCh37 (hg19) VCF-style: chr1-17322982-G-A.
Other names: c.1190C>T, p.Thr397Met (NM_001141973.3, NM_001141974.3); c.1205C>T (NM_022089.2); short protein forms T397M, T402M.
Identifiers: ClinVar variation 806073 (VCV000806073.48), dbSNP rs763632781, ClinGen allele CA637314.
Genomic context (GRCh38, chr1:16,996,487, plus strand): 5'-TAGAACTTGAAGTTGATGGGCCGGGGGTGCAAGATGGAGCTCACCAGGCCCCCTTTTGCC[G>A]TGCAGAACCCTGGGGAGGAGGCGGGGACCCCAAGGCAGGGAAGCCAGGGTGAGGGCAGGC-3'
Protein context (NP_071372.1, residues 392-412): LAVVTRTGFC[Thr402Met]AKGGLVSSIL